The following is an entry in ClinVar:

NM_001018005.2(TPM1):c.627T>G (p.Ala209=)

Gene: TPM1 (tropomyosin 1; plus strand). Cytogenetic location: 15q22.2.
Variant type: single nucleotide variant.
Coding change: c.627T>G on transcript NM_001018005.2 (MANE Select); coding-DNA position 627, T replaced by G.
Protein change: p.Ala209=; no amino-acid change (alanine 209 retained).
Molecular consequence: synonymous variant. On other transcripts: intron variant (6).
Genome position (GRCh38, 1-based): chr15:63,061,776, T>G. VCF-style: chr15-63061776-T-G. GRCh37 (hg19) VCF-style: chr15-63353975-T-G.
Other names: c.532-439T>G (NM_001330351.2, NM_001330344.2, NM_001365781.2); c.627T>G, p.Ala209= (NM_001365776.1, NM_001365777.1, NM_001365779.1 and 3 more transcripts); c.753T>G, p.Ala251= (NM_001365778.1); c.519T>G, p.Ala173= (NM_001365780.1, NM_001365782.1, NM_001018008.2 and 2 more transcripts); c.640-439T>G (NM_001018020.2, NM_001018006.2, NM_000366.6).
Identifiers: ClinVar variation 927101 (VCV000927101.7), dbSNP rs769210513, ClinGen allele CA030951.

ClinVar aggregate classification (germline): Likely benign. Review status: criteria provided, multiple submitters, no conflicts (2 of 4 stars). 3 submissions from 3 submitters: Likely benign (3). Last evaluated 2024-09-15.

Conditions:
Hypertrophic cardiomyopathy. Also called: HYPERTROPHIC MYOCARDIOPATHY. Identifiers: Orphanet 217569, MedGen C0007194, MeSH D002312, MONDO:0005045, HP:0001639.
Cardiomyopathy (CMYO). Also called: Cardiomyopathies. Identifiers: Orphanet 167848, MedGen C0878544, MONDO:0004994, HP:0001638. Inheritance: Various modes of inheritance.

Allele frequency attached by ClinVar (database versions not stated): gnomAD exomes below 0.00001; ExAC 0.00001.

Submissions (3):

Labcorp Genetics (formerly Invitae), Labcorp
Classification: Likely benign for Hypertrophic cardiomyopathy. Last evaluated: 2024-09-15. Review status: criteria provided, single submitter. Criteria: Invitae Variant Classification Sherloc (09022015). Collection method: clinical testing. Allele origin: germline.

All of Us Research Program, National Institutes of Health
Classification: Likely benign for Hypertrophic cardiomyopathy. Last evaluated: 2023-06-08. Review status: criteria provided, single submitter. Criteria: ACMG Guidelines, 2015. Collection method: clinical testing. Allele origin: germline. Inheritance: Autosomal dominant inheritance. Observed: 2 variant alleles, 2 heterozygotes.
Comment: This study involves interpretation of variants in research participants for the purpose of population health screening. Participant phenotype was not available at the time of variant classification. Additional details can be found in publication PMID: 35346344, PMCID: PMC8962531

Color Diagnostics, LLC DBA Color Health
Classification: Likely benign for Cardiomyopathy. Last evaluated: 2020-02-09. Review status: criteria provided, single submitter. Criteria: ACMG Guidelines, 2015. Collection method: clinical testing. Allele origin: germline.